The following is an entry in ClinVar:

ClinVar aggregate classification (germline): Pathogenic (1 of 4 stars; one submission).

Conditions:
Glycogen storage disease, type IV (GSD4). Also called: AMYLOPECTINOSIS; ANDERSEN DISEASE; BRANCHER DEFICIENCY; CIRRHOSIS, FAMILIAL, WITH DEPOSITION OF ABNORMAL GLYCOGEN; GBE1 DEFICIENCY; GLYCOGEN BRANCHING ENZYME DEFICIENCY. Identifiers: Orphanet 367, MedGen C0017923, MONDO:0009292, OMIM 232500.

Submission:

Myriad Genetics, Inc.
Classification: Pathogenic for Glycogen storage disease, type IV. Last evaluated: 2024-05-14. Review status: criteria provided, single submitter. Criteria: Myriad Autosomal Dominant, Autosomal Recessive and X-Linked Classification Criteria (2023). Collection method: clinical testing. Allele origin: unknown.
Comment: NM_000158.3(GBE1):c.421_422ins11(K141Ifs*6) is expected to be pathogenic in the context of glycogen storage disease, GBE1-related. This variant is predicted to lead to an abnormal or absent protein product due to the creation of a premature termination codon in GBE1, a gene where loss-of-function variants are known to be pathogenic. Please note: this variant was assessed in the context of healthy population screening.

NM_000158.4(GBE1):c.421_422insTAAGAGACAGT (p.Lys141fs)

Gene: GBE1 (1,4-alpha-glucan branching enzyme 1; minus strand). Cytogenetic location: 3p12.2.
Variant type: Insertion.
Coding change: c.421_422insTAAGAGACAGT on transcript NM_000158.4 (MANE Select); coding-DNA positions 421 to 422, TAAGAGACAGT inserted.
Protein change: p.Lys141fs; shifts the reading frame from lysine 141.
Molecular consequence: frameshift variant.
Genome position: GRCh38 VCF-style: chr3-81670845-T-TACTGTCTCTTA. GRCh37 (hg19) VCF-style: chr3-81719996-T-TACTGTCTCTTA.
Other names: short protein forms K141fs.
Identifiers: ClinVar variation 5010338 (VCV005010338.1).